The following is an entry in ClinVar:

NM_022455.5(NSD1):c.3091C>T (p.Arg1031Ter)

Gene: NSD1 (nuclear receptor binding SET domain protein 1; plus strand). Cytogenetic location: 5q35.3.
Variant type: single nucleotide variant.
Coding change: c.3091C>T on transcript NM_022455.5 (MANE Select); coding-DNA position 3091, C replaced by T.
Protein change: p.Arg1031Ter; replaces arginine 1031 with a stop codon.
Molecular consequence: nonsense.
Genome position (GRCh38, 1-based): chr5:177,211,490, C>T. VCF-style: chr5-177211490-C-T. GRCh37 (hg19) VCF-style: chr5-176638491-C-T.
Other names: c.2218C>T, p.Arg740Ter (NM_001409307.1, NM_001409308.1, NM_001409309.1 and 3 more transcripts); c.3091C>T, p.Arg1031Ter (NM_001409301.1, NM_001409302.1, NM_001409303.1); c.2671C>T, p.Arg891Ter (NM_001409304.1); c.2338C>T, p.Arg780Ter (NM_001409305.1); short protein forms R1031*, R762*, R740*, R891*, R780*.
Identifiers: ClinVar variation 159300 (VCV000159300.19), dbSNP rs587784096, ClinGen allele CA294842.

ClinVar aggregate classification (germline): Pathogenic. Review status: criteria provided, multiple submitters, no conflicts (2 of 4 stars). 5 submissions from 5 submitters: Pathogenic (5). Last evaluated 2026-05-20.

Conditions:
Sotos syndrome (SOTOS). Also called: Distinctive facial appearance, overgrowth in childhood, and learning disabilities or delayed development; CEREBRAL GIGANTISM; Sotos' syndrome; CHROMOSOME 5q35 DELETION SYNDROME; SOTOS SYNDROME 1. Identifiers: Orphanet 821, MedGen C0175695, MONDO:0019349, OMIM 117550.

Submissions (5):

Victorian Clinical Genetics Services, Murdoch Childrens Research Institute
Classification: Pathogenic for Sotos syndrome. Last evaluated: 2026-05-20. Review status: criteria provided, single submitter. Criteria: ACMG Guidelines, 2015. Collection method: clinical testing. Allele origin: germline. Affected: yes.
Comment: This variant is classified as Pathogenic. Evidence in support of pathogenic classification: Variant is predicted to cause nonsense-mediated decay (NMD) and loss of protein (premature termination codon is located at least 54 nucleotides upstream of the final exon-exon junction); Variant is absent from gnomAD (v2, v3 and v4); This variant has moderate previous evidence of pathogenicity in unrelated individuals. This variant has been classified as pathogenic by multiple clinical laboratories (ClinVar); Other NMD-predicted variants comparable to the one identified in this case have very strong previous evidence for pathogenicity (DECIPHER); Additional information: This variant is heterozygous; This gene is associated with autosomal dominant disease; Loss of function is a known mechanism of disease in this gene and is associated with Sotos syndrome (MIM#117550).

Labcorp Genetics (formerly Invitae), Labcorp
Classification: Pathogenic. Last evaluated: 2021-09-21. Review status: criteria provided, single submitter. Criteria: Invitae Variant Classification Sherloc (09022015). Collection method: clinical testing. Allele origin: germline.
Comment: This sequence change creates a premature translational stop signal (p.Arg1031*) in the NSD1 gene. It is expected to result in an absent or disrupted protein product. Loss-of-function variants in NSD1 are known to be pathogenic (PMID: 12464997, 14571271, 15942875, 16247291). This variant is not present in population databases (ExAC no frequency). This premature translational stop signal has been observed in individual(s) with Sotos syndrome (PMID: 14571271, 16247291). In at least one individual the variant was observed to be de novo. ClinVar contains an entry for this variant (Variation ID: 159300). Algorithms developed to predict the effect of sequence changes on RNA splicing suggest that this variant may create or strengthen a splice site. For these reasons, this variant has been classified as Pathogenic.

Genome-Nilou Lab
Classification: Pathogenic for Sotos syndrome. Last evaluated: 2021-07-15. Review status: criteria provided, single submitter. Criteria: ACMG Guidelines, 2015. Collection method: clinical testing. Allele origin: germline. Affected: no.

GeneDx
Classification: Pathogenic. Last evaluated: 2020-10-26. Review status: criteria provided, single submitter. Criteria: GeneDx Variant Classification Process June 2021. Collection method: clinical testing. Allele origin: germline. Affected: yes.
Comment: Nonsense variant predicted to result in protein truncation or nonsense mediated decay in a gene for which loss-of-function is a known mechanism of disease; Not observed in large population cohorts (Lek et al., 2016); This variant is associated with the following publications: (PMID: 25525159, 21834047, 16010675, 15942875, 14571271, 16247291)

Genetic Services Laboratory, University of Chicago
Classification: Pathogenic for Sotos syndrome 1. Last evaluated: 2013-02-08. Review status: criteria provided, single submitter. Criteria: ACMG Guidelines, 2007. Collection method: clinical testing. Allele origin: germline. Inheritance: Autosomal dominant inheritance. Affected: yes.

Literature cited by the submitters: PubMed 12464997 (cited by Labcorp Genetics (formerly Invitae), Labcorp); PubMed 14571271 (cited by Labcorp Genetics (formerly Invitae), Labcorp); PubMed 15942875 (cited by Labcorp Genetics (formerly Invitae), Labcorp); PubMed 16247291 (cited by Labcorp Genetics (formerly Invitae), Labcorp).